The following is an entry in ClinVar:

NM_000428.3(LTBP2):c.1352C>A (p.Ala451Asp)

Gene: LTBP2 (latent transforming growth factor beta binding protein 2; minus strand). Cytogenetic location: 14q24.3.
Variant type: single nucleotide variant.
Coding change: c.1352C>A on transcript NM_000428.3 (MANE Select); coding-DNA position 1352, C replaced by A.
Protein change: p.Ala451Asp; replaces alanine 451 with aspartic acid.
Molecular consequence: missense variant.
Genome position (GRCh38, 1-based): chr14:74,552,234, G>T on the plus strand (C>A on the coding strand, the complement: LTBP2 is on the minus strand). VCF-style: chr14-74552234-G-T. GRCh37 (hg19) VCF-style: chr14-75018937-G-T.
Other names: c.1352C>A (NM_000428.2); short protein forms A451D.
Identifiers: ClinVar variation 1498906 (VCV001498906.6), dbSNP rs757283363, ClinGen allele CA7269912.

ClinVar aggregate classification (germline): Uncertain significance. Review status: criteria provided, multiple submitters, no conflicts (2 of 4 stars). 2 submissions from 2 submitters: Uncertain significance (2). Last evaluated 2025-06-10.

Conditions:
Inborn genetic diseases. Identifiers: MedGen C0950123, MeSH D030342.

Allele frequency attached by ClinVar (database versions not stated): TOPMed below 0.00001; gnomAD exomes below 0.00001 and 0.00001; ExAC 0.00001.
gnomAD v4.1: 2 of 1,612,732 alleles (0.00012%); highest among the groups gnomAD compares: Admixed American, 0.0033%; no homozygotes.

Submissions (2):

Ambry Genetics
Classification: Uncertain significance for Inborn genetic diseases. Last evaluated: 2025-06-10. Review status: criteria provided, single submitter. Criteria: Ambry Variant Classification Scheme 2023. Collection method: clinical testing. Allele origin: germline.

Labcorp Genetics (formerly Invitae), Labcorp
Classification: Uncertain significance. Last evaluated: 2021-08-31. Review status: criteria provided, single submitter. Criteria: Invitae Variant Classification Sherloc (09022015). Collection method: clinical testing. Allele origin: germline.
Comment: In summary, the available evidence is currently insufficient to determine the role of this variant in disease. Therefore, it has been classified as a Variant of Uncertain Significance. This sequence change replaces alanine with aspartic acid at codon 451 of the LTBP2 protein (p.Ala451Asp). The alanine residue is weakly conserved and there is a moderate physicochemical difference between alanine and aspartic acid. This variant is present in population databases (rs757283363, ExAC 0.009%). This variant has not been reported in the literature in individuals affected with LTBP2-related conditions. Algorithms developed to predict the effect of missense changes on protein structure and function are either unavailable or do not agree on the potential impact of this missense change (SIFT: "Deleterious"; PolyPhen-2: "Benign"; Align-GVGD: "Class C0").